The following is an entry in ClinVar:

NM_015937.6(PIGT):c.1595C>A (p.Thr532Lys)

Gene: PIGT (phosphatidylinositol glycan anchor biosynthesis class T; plus strand). Cytogenetic location: 20q13.12.
Variant type: single nucleotide variant.
Coding change: c.1595C>A on transcript NM_015937.6 (MANE Select); coding-DNA position 1595, C replaced by A.
Protein change: p.Thr532Lys; replaces threonine 532 with lysine.
Molecular consequence: missense variant. On other transcripts: non-coding transcript variant (5).
Genome position (GRCh38, 1-based): chr20:45,425,684, C>A. VCF-style: chr20-45425684-C-A. GRCh37 (hg19) VCF-style: chr20-44054324-C-A.
Other names: c.1427C>A, p.Thr476Lys (NM_001184728.3); c.1394C>A, p.Thr465Lys (NM_001184729.3); c.1289C>A, p.Thr430Lys (NM_001184730.3); short protein forms T430K, T465K, T476K, T532K.
Identifiers: ClinVar variation 4291784 (VCV004291784.1).

ClinVar aggregate classification (germline): Uncertain significance (1 of 4 stars; one submission).

Conditions:
Multiple congenital anomalies-hypotonia-seizures syndrome 3 (MCAHS3). Also called: GLYCOSYLPHOSPHATIDYLINOSITOL BIOSYNTHESIS DEFECT 7. Identifiers: Orphanet 369837, MedGen C3809356, MONDO:0014165, OMIM 615398.

gnomAD v4.1: 1 of 1,614,158 alleles (0.000062%); highest among the groups gnomAD compares: Admixed American, 0.0017%; no homozygotes.

Submission:

3billion
Classification: Uncertain significance for Multiple congenital anomalies-hypotonia-seizures syndrome 3. Last evaluated: 2024-09-24. Review status: criteria provided, single submitter. Criteria: ACMG Guidelines, 2015. Collection method: clinical testing. Allele origin: germline. Affected: yes.
Comment: The variant is observed at an extremely low frequency in the gnomAD v4.0.0 dataset (total allele frequency: 0.006%). Predicted Consequence/Location: Missense variant Functional studies provide moderate evidence of the variant having a damaging effect on the gene or gene product (PMID: 28327575). In silico tool predictions suggest damaging effect of the variant on gene or gene product [3Cnet: 0.98 (>=0.6, sensitivity 0.72 and precision 0.9)]. The same nucleotide change resulting in the same amino acid change has been previously reported as pathogenic/likely pathogenic with strong evidence (ClinVar ID: VCV000440973 /PMID: 28327575 /3billion dataset). The variant has been reported to be in trans with a pathogenic variant as either compound heterozygous or homozygous in at least 4 similarly affected unrelated individuals (PMID: 34046058). Therefore, this variant is classified as Pathogenic according to the recommendation of ACMG/AMP guideline.